The following is an entry in ClinVar:

ClinVar aggregate classification (germline): Uncertain significance. Review status: criteria provided, single submitter (1 of 4 stars). 2 submissions from 2 submitters: Uncertain significance (1). 1 of the submissions does not count toward it. Last evaluated 2024-08-28.

Conditions:
PLXNA3-related disorder. Also called: PLXNA3-related condition.

Allele frequency attached by ClinVar (database versions not stated): gnomAD 0.00005; TOPMed 0.00006; ESP Exome Variant Server 0.00009; ExAC 0.00018.

Submissions (2):

Ambry Genetics
Classification: Uncertain significance. Last evaluated: 2024-08-28. Review status: criteria provided, single submitter. Criteria: Ambry Variant Classification Scheme 2023. Collection method: clinical testing. Allele origin: germline.

PreventionGenetics, part of Exact Sciences
Classification: Uncertain significance for PLXNA3-related condition. Last evaluated: 2024-01-22. Review status: no assertion criteria provided. Collection method: clinical testing. Allele origin: germline. Not counted in ClinVar's aggregate classification.
Comment: The PLXNA3 c.2462C>T variant is predicted to result in the amino acid substitution p.Pro821Leu. To our knowledge, this variant has not been reported in the literature. This variant is reported in 0.032% of alleles in individuals of South Asian descent in gnomAD. At this time, the clinical significance of this variant is uncertain due to the absence of conclusive functional and genetic evidence.

NM_017514.5(PLXNA3):c.2462C>T (p.Pro821Leu)

Gene: PLXNA3 (plexin A3; plus strand). Cytogenetic location: Xq28.
Variant type: single nucleotide variant.
Coding change: c.2462C>T on transcript NM_017514.5 (MANE Select); coding-DNA position 2462, C replaced by T.
Protein change: p.Pro821Leu; replaces proline 821 with leucine.
Molecular consequence: missense variant.
Genome position (GRCh38, 1-based): chrX:154,465,777, C>T. VCF-style: chrX-154465777-C-T. GRCh37 (hg19) VCF-style: chrX-153694120-C-T.
Other names: short protein forms P821L.
Identifiers: ClinVar variation 2297068 (VCV002297068.6), dbSNP rs376089205, ClinGen allele CA10564379.